The following is an entry in ClinVar:

ClinVar aggregate classification (germline): Conflicting classifications of pathogenicity. Review status: criteria provided, conflicting classifications (1 of 4 stars). 4 submissions from 4 submitters: Uncertain significance (3); Likely benign (1). Last evaluated 2025-08-30.

Conditions:
Inborn genetic diseases. Identifiers: MedGen C0950123, MeSH D030342.

Allele frequency attached by ClinVar (database versions not stated): TOPMed below 0.00001; ExAC 0.00001; gnomAD exomes below 0.00001.
gnomAD v4.1: 4 of 1,607,760 alleles (0.00025%); highest among the groups gnomAD compares: South Asian, 0.0011%; no homozygotes.

Submissions (4):

Ambry Genetics
Classification: Uncertain significance for Inborn genetic diseases. Last evaluated: 2025-08-30. Review status: criteria provided, single submitter. Criteria: Ambry Variant Classification Scheme 2023. Collection method: clinical testing. Allele origin: germline.

GeneDx
Classification: Uncertain significance. Last evaluated: 2025-07-15. Review status: criteria provided, single submitter. Criteria: GeneDx Variant Classification Process June 2021. Collection method: clinical testing. Allele origin: germline. Affected: yes.
Comment: Not observed at significant frequency in large population cohorts (gnomAD); In silico analysis suggests that this missense variant does not alter protein structure/function; Has not been previously published as pathogenic or benign to our knowledge

Labcorp Genetics (formerly Invitae), Labcorp
Classification: Likely benign. Last evaluated: 2024-03-04. Review status: criteria provided, single submitter. Criteria: Invitae Variant Classification Sherloc (09022015). Collection method: clinical testing. Allele origin: germline.

Eurofins Ntd Llc (ga)
Classification: Uncertain significance. Last evaluated: 2015-11-13. Review status: criteria provided, single submitter. Criteria: EGL Classification Definitions 2015. Collection method: clinical testing. Allele origin: germline. Observed: 1 variant allele, 1 heterozygote.

NM_032119.4(ADGRV1):c.17215A>G (p.Ile5739Val)

Gene: ADGRV1 (adhesion G protein-coupled receptor V1; plus strand). Cytogenetic location: 5q14.3.
Variant type: single nucleotide variant.
Coding change: c.17215A>G on transcript NM_032119.4 (MANE Select); coding-DNA position 17215, A replaced by G.
Protein change: p.Ile5739Val; replaces isoleucine 5739 with valine.
Molecular consequence: missense variant. On other transcripts: non-coding transcript variant (1).
Genome position (GRCh38, 1-based): chr5:90,853,294, A>G. VCF-style: chr5-90853294-A-G. GRCh37 (hg19) VCF-style: chr5-90149111-A-G.
Other names: c.17215A>G (NM_032119.3); short protein forms I5739V.
Identifiers: ClinVar variation 284311 (VCV000284311.15), dbSNP rs747089219, ClinGen allele CA3342332.